The following is an entry in ClinVar:

NM_206933.4(USH2A):c.6042C>A (p.Asn2014Lys)

Gene: USH2A (usherin; minus strand). Cytogenetic location: 1q41.
Variant type: single nucleotide variant.
Coding change: c.6042C>A on transcript NM_206933.4 (MANE Select); coding-DNA position 6042, C replaced by A.
Protein change: p.Asn2014Lys; replaces asparagine 2014 with lysine.
Molecular consequence: missense variant.
Genome position (GRCh38, 1-based): chr1:216,070,108, G>T on the plus strand (C>A on the coding strand, the complement: USH2A is on the minus strand). VCF-style: chr1-216070108-G-T. GRCh37 (hg19) VCF-style: chr1-216243450-G-T.
Other names: short protein forms N2014K.
Identifiers: ClinVar variation 2173258 (VCV002173258.2), dbSNP rs984654995, ClinGen allele CA37476134.

ClinVar aggregate classification (germline): Uncertain significance. Review status: criteria provided, multiple submitters, no conflicts (2 of 4 stars). 2 submissions from 2 submitters: Uncertain significance (2). Last evaluated 2023-10-01.

Conditions:
Retinal dystrophy. Also called: Inherited retinal dystrophy. Identifiers: Orphanet 71862, MedGen C0854723, MeSH D058499, MONDO:0019118, HP:0000556.

Allele frequency attached by ClinVar (database versions not stated): TOPMed below 0.00001; gnomAD 0.00001; gnomAD exomes 0.00001.
gnomAD v4.1: 9 of 1,613,816 alleles (0.00056%); highest among the groups gnomAD compares: East Asian, 0.016%; no homozygotes.

Submissions (2):

Dept Of Ophthalmology, Nagoya University
Classification: Uncertain significance for Retinal dystrophy. Last evaluated: 2023-10-01. Review status: criteria provided, single submitter. Criteria: Submitter's publication. Collection method: research. Allele origin: germline. Affected: yes.

Labcorp Genetics (formerly Invitae), Labcorp
Classification: Uncertain significance. Last evaluated: 2022-02-09. Review status: criteria provided, single submitter. Criteria: Invitae Variant Classification Sherloc (09022015). Collection method: clinical testing. Allele origin: germline.
Comment: This sequence change replaces asparagine, which is neutral and polar, with lysine, which is basic and polar, at codon 2014 of the USH2A protein (p.Asn2014Lys). This variant is present in population databases (no rsID available, gnomAD 0.0009%). This variant has not been reported in the literature in individuals affected with USH2A-related conditions. Algorithms developed to predict the effect of missense changes on protein structure and function (SIFT, PolyPhen-2, Align-GVGD) all suggest that this variant is likely to be tolerated. In summary, the available evidence is currently insufficient to determine the role of this variant in disease. Therefore, it has been classified as a Variant of Uncertain Significance.